The following is an entry in ClinVar:

NM_000718.4(CACNA1B):c.1197G>A (p.Met399Ile)

Gene: CACNA1B (calcium voltage-gated channel subunit alpha1 B; plus strand). Cytogenetic location: 9q34.3.
Variant type: single nucleotide variant.
Coding change: c.1197G>A on transcript NM_000718.4 (MANE Select); coding-DNA position 1197, G replaced by A.
Protein change: p.Met399Ile; replaces methionine 399 with isoleucine.
Molecular consequence: missense variant.
Genome position (GRCh38, 1-based): chr9:137,956,781, G>A. VCF-style: chr9-137956781-G-A. GRCh37 (hg19) VCF-style: chr9-140851233-G-A.
Other names: c.1197G>A, p.Met399Ile (NM_001243812.2); short protein forms M399I.
Identifiers: ClinVar variation 2051256 (VCV002051256.4), dbSNP rs2539231686, ClinGen allele CA375802896.

ClinVar aggregate classification (germline): Uncertain significance (1 of 4 stars; one submission).

Allele frequency attached by ClinVar (database versions not stated): gnomAD exomes below 0.00001.
gnomAD v4.1: 1 of 1,613,794 alleles (0.000062%); highest among the groups gnomAD compares: South Asian, 0.0011%; no homozygotes.

Submission:

Labcorp Genetics (formerly Invitae), Labcorp
Classification: Uncertain significance. Last evaluated: 2022-06-11. Review status: criteria provided, single submitter. Criteria: Invitae Variant Classification Sherloc (09022015). Collection method: clinical testing. Allele origin: germline.
Comment: In summary, the available evidence is currently insufficient to determine the role of this variant in disease. Therefore, it has been classified as a Variant of Uncertain Significance. Advanced modeling of protein sequence and biophysical properties (such as structural, functional, and spatial information, amino acid conservation, physicochemical variation, residue mobility, and thermodynamic stability) performed at Invitae indicates that this missense variant is not expected to disrupt CACNA1B protein function. This variant has not been reported in the literature in individuals affected with CACNA1B-related conditions. This variant is not present in population databases (gnomAD no frequency). This sequence change replaces methionine, which is neutral and non-polar, with isoleucine, which is neutral and non-polar, at codon 399 of the CACNA1B protein (p.Met399Ile).